The following is an entry in ClinVar:

ClinVar aggregate classification (germline): Likely benign (0 of 4 stars; one submission).

Conditions:
ANKRD11-related disorder. Also called: ANKRD11-related condition.

Allele frequency attached by ClinVar (database versions not stated): gnomAD exomes below 0.00001; TOPMed 0.00002; gnomAD 0.00003.
gnomAD v4.1: 9 of 1,603,918 alleles (0.00056%); highest among the groups gnomAD compares: African/African-American, 0.0027%; no homozygotes.

Submission:

PreventionGenetics, part of Exact Sciences
Classification: Likely benign for ANKRD11-related condition. Last evaluated: 2022-08-25. Review status: no assertion criteria provided. Collection method: clinical testing. Allele origin: germline.
Comment: This variant is classified as likely benign based on ACMG/AMP sequence variant interpretation guidelines (Richards et al. 2015 PMID: 25741868, with internal and published modifications).

NM_013275.6(ANKRD11):c.7471-4G>A

Gene: ANKRD11 (ankyrin repeat domain containing 11; minus strand). Cytogenetic location: 16q24.3.
Variant type: single nucleotide variant.
Coding change: c.7471-4G>A on transcript NM_013275.6 (MANE Select); 4 bases into the intron before coding-DNA position 7471, G replaced by A.
Molecular consequence: intron variant.
Genome position (GRCh38, 1-based): chr16:89,275,195, C>T on the plus strand (G>A on the coding strand, the complement: ANKRD11 is on the minus strand). VCF-style: chr16-89275195-C-T. GRCh37 (hg19) VCF-style: chr16-89341603-C-T.
Other names: c.7471-4G>A (NM_001256183.2, NM_001256182.2).
Identifiers: ClinVar variation 3030779 (VCV003030779.2), dbSNP rs924000018, ClinGen allele CA286505951.